The following is an entry in ClinVar:

ClinVar aggregate classification (germline): Uncertain significance. Review status: criteria provided, multiple submitters, no conflicts (2 of 4 stars). 3 submissions from 3 submitters: Uncertain significance (3). Last evaluated 2024-05-20.

Conditions:
Global developmental delay - lung cysts - overgrowth - Wilms tumor syndrome. Also called: GLOBAL DEVELOPMENTAL DELAY, LUNG CYSTS, OVERGROWTH, AND WILMS TUMOR; GLOW Syndrome. Identifiers: Orphanet 404476, MedGen C4748924, MONDO:0018445, OMIM 618272.
DICER1-related tumor predisposition. Also called: DICER1-related pleuropulmonary blastoma cancer predisposition syndrome; DICER1 syndrome. Identifiers: Orphanet 284343, MedGen C3839822, MONDO:0100216.
Hereditary cancer-predisposing syndrome. Also called: Hereditary Cancer Syndrome; Neoplastic Syndromes, Hereditary; Hereditary neoplastic syndrome; Tumor predisposition. Identifiers: Orphanet 140162, MedGen C0027672, MeSH D009386, MONDO:0015356.

Allele frequency attached by ClinVar (database versions not stated): gnomAD exomes below 0.00001.

Submissions (3):

Ambry Genetics
Classification: Uncertain significance for Hereditary cancer-predisposing syndrome. Last evaluated: 2024-05-20. Review status: criteria provided, single submitter. Criteria: Ambry Variant Classification Scheme 2023. Collection method: clinical testing. Allele origin: germline.
Comment: The p.S10I variant (also known as c.29G>T), located in coding exon 1 of the DICER1 gene, results from a G to T substitution at nucleotide position 29. The serine at codon 10 is replaced by isoleucine, an amino acid with dissimilar properties. This amino acid position is highly conserved in available vertebrate species. In addition, this alteration is predicted to be tolerated by in silico analysis. Since supporting evidence is limited at this time, the clinical significance of this alteration remains unclear.

Baylor Genetics
Classification: Uncertain significance for Global developmental delay - lung cysts - overgrowth - Wilms tumor syndrome. Last evaluated: 2023-10-27. Review status: criteria provided, single submitter. Criteria: ACMG Guidelines, 2015. Collection method: clinical testing. Allele origin: unknown.

Labcorp Genetics (formerly Invitae), Labcorp
Classification: Uncertain significance for DICER1-related tumor predisposition. Last evaluated: 2023-05-15. Review status: criteria provided, single submitter. Criteria: Invitae Variant Classification Sherloc (09022015). Collection method: clinical testing. Allele origin: germline.
Comment: ClinVar contains an entry for this variant (Variation ID: 822500). In summary, the available evidence is currently insufficient to determine the role of this variant in disease. Therefore, it has been classified as a Variant of Uncertain Significance. An algorithm developed to predict the effect of missense changes on protein structure and function (PolyPhen-2) suggests that this variant¬† is likely to be tolerated. This variant has not been reported in the literature in individuals affected with DICER1-related conditions. This variant is not present in population databases (gnomAD no frequency). This sequence change replaces serine, which is neutral and polar, with isoleucine, which is neutral and non-polar, at codon 10 of the DICER1 protein (p.Ser10Ile).

NM_177438.3(DICER1):c.29G>T (p.Ser10Ile)

Gene: DICER1 (dicer 1, ribonuclease III; minus strand). Cytogenetic location: 14q32.13.
Variant type: single nucleotide variant.
Coding change: c.29G>T on transcript NM_177438.3 (MANE Select); coding-DNA position 29, G replaced by T.
Protein change: p.Ser10Ile; replaces serine 10 with isoleucine.
Molecular consequence: missense variant.
Genome position (GRCh38, 1-based): chr14:95,133,430, C>A on the plus strand (G>T on the coding strand, the complement: DICER1 is on the minus strand). VCF-style: chr14-95133430-C-A. GRCh37 (hg19) VCF-style: chr14-95599767-C-A.
Other names: c.29G>T, p.Ser10Ile (NM_001195573.1, NM_001271282.3, NM_001291628.2 and 1 more transcripts); short protein forms S10I.
Identifiers: ClinVar variation 822500 (VCV000822500.16), dbSNP rs1595469164, ClinGen allele CA390890760.